The following is an entry in ClinVar:

NM_014014.5(SNRNP200):c.4003G>A (p.Val1335Met)

Gene: SNRNP200 (small nuclear ribonucleoprotein U5 subunit 200; minus strand). Cytogenetic location: 2q11.2.
Variant type: single nucleotide variant.
Coding change: c.4003G>A on transcript NM_014014.5 (MANE Select); coding-DNA position 4003, G replaced by A.
Protein change: p.Val1335Met; replaces valine 1335 with methionine.
Molecular consequence: missense variant.
Genome position (GRCh38, 1-based): chr2:96,286,311, C>T on the plus strand (G>A on the coding strand, the complement: SNRNP200 is on the minus strand). VCF-style: chr2-96286311-C-T. GRCh37 (hg19) VCF-style: chr2-96952049-C-T.
Other names: short protein forms V1335M.
Identifiers: ClinVar variation 4882020 (VCV004882020.2).

ClinVar aggregate classification (germline): Uncertain significance (1 of 4 stars; one submission).

Submission:

Dasa
Classification: Uncertain significance. Last evaluated: 2025-06-18. Review status: criteria provided, single submitter. Criteria: DASA Assertion Criteria. Collection method: clinical testing. Allele origin: germline.
Comment: NM_014014.5(SNRNP200):c.4003G>A (p.Val1335Met) is a missense variant that results in the substitution of valine with methionine. This variant is rare in population databases. Computational prediction algorithms are consistent with a benign effect. The currently available literature and clinical evidence are not sufficient to establish a definitive association between this variant and the reported condition. Therefore, this variant is classified as a variant of uncertain significance.